The following is an entry in ClinVar:

ClinVar aggregate classification (germline): Likely benign. Review status: criteria provided, single submitter (1 of 4 stars). 2 submissions from 2 submitters: Likely benign (1). 1 of the submissions does not count toward it. Last evaluated 2024-04-04.

Conditions:
PIKFYVE-related disorder. Also called: PIKFYVE-related condition.

Submissions (2):

Blueprint Genetics
Classification: Likely benign. Last evaluated: 2024-04-04. Review status: criteria provided, single submitter. Criteria: ACMG Guidelines, 2015. Collection method: clinical testing. Allele origin: germline.

PreventionGenetics, part of Exact Sciences
Classification: Likely benign for PIKFYVE-related condition. Last evaluated: 2019-03-06. Review status: no assertion criteria provided. Collection method: clinical testing. Allele origin: germline. Not counted in ClinVar's aggregate classification.
Comment: This variant is classified as likely benign based on ACMG/AMP sequence variant interpretation guidelines (Richards et al. 2015 PMID: 25741868, with internal and published modifications).

NM_015040.4(PIKFYVE):c.5844+10T>G

Gene: PIKFYVE (phosphoinositide kinase, FYVE-type zinc finger containing; plus strand). Cytogenetic location: 2q34.
Variant type: single nucleotide variant.
Coding change: c.5844+10T>G on transcript NM_015040.4 (MANE Select); 10 bases into the intron after coding-DNA position 5844, T replaced by G.
Molecular consequence: intron variant.
Genome position (GRCh38, 1-based): chr2:208,352,792, T>G. VCF-style: chr2-208352792-T-G. GRCh37 (hg19) VCF-style: chr2-209217516-T-G.
Identifiers: ClinVar variation 3034420 (VCV003034420.3), dbSNP rs1699893815, ClinGen allele CA1041750230.